The following is an entry in ClinVar:

ClinVar aggregate classification (germline): Uncertain significance (1 of 4 stars; one submission).

Conditions:
Combined immunodeficiency due to LRBA deficiency. Also called: Common variable immunodeficiency 8, with autoimmunity. Identifiers: Orphanet 445018, MedGen C3553512, MONDO:0013863, OMIM 614700.

Submission:

Baylor Genetics
Classification: Uncertain significance for Combined immunodeficiency due to LRBA deficiency. Last evaluated: 2019-04-11. Review status: criteria provided, single submitter. Criteria: ACMG Guidelines, 2015. Collection method: clinical testing. Allele origin: paternal. Affected: yes.
Comment: This variant was determined to be of uncertain significance according to ACMG Guidelines, 2015 [PMID:25741868].

NM_001364905.1(LRBA):c.6223C>T (p.Leu2075Phe)

Gene: LRBA (LPS responsive beige-like anchor protein; minus strand). Cytogenetic location: 4q31.3.
Variant type: single nucleotide variant.
Coding change: c.6223C>T on transcript NM_001364905.1 (MANE Select); coding-DNA position 6223, C replaced by T.
Protein change: p.Leu2075Phe; replaces leucine 2075 with phenylalanine.
Molecular consequence: missense variant.
Genome position (GRCh38, 1-based): chr4:150,588,155, G>A on the plus strand (C>T on the coding strand, the complement: LRBA is on the minus strand). VCF-style: chr4-150588155-G-A. GRCh37 (hg19) VCF-style: chr4-151509307-G-A.
Other names: c.6223C>T, p.Leu2075Phe (NM_001199282.3, NM_001367550.1); c.6256C>T, p.Leu2086Phe (NM_006726.5); short protein forms L2075F, L2086F.
Identifiers: ClinVar variation 1031079 (VCV001031079.1), dbSNP rs1772352730, ClinGen allele CA358605053.